The following is an entry in ClinVar:

NM_020822.3(KCNT1):c.817A>G (p.Ile273Val)

Gene: KCNT1 (potassium sodium-activated channel subfamily T member 1; plus strand). Cytogenetic location: 9q34.3.
Variant type: single nucleotide variant.
Coding change: c.817A>G on transcript NM_020822.3 (MANE Select); coding-DNA position 817, A replaced by G.
Protein change: p.Ile273Val; replaces isoleucine 273 with valine.
Molecular consequence: missense variant.
Genome position (GRCh38, 1-based): chr9:135,758,471, A>G. VCF-style: chr9-135758471-A-G. GRCh37 (hg19) VCF-style: chr9-138650317-A-G.
Other names: c.673A>G, p.Ile225Val (NM_001272003.2); short protein forms I273V, I225V.
Identifiers: ClinVar variation 2922827 (VCV002922827.3), dbSNP rs1220559272, ClinGen allele CA375498239.
Genomic context (GRCh38, chr9:135,758,471, plus strand): 5'-CAGAATGACTTCCACCGTGCCATCCTGCGGACACAGTCAGCCATGTTCAACCAGGTCCTC[A>G]TCCTCTTCTGCACCCTGCTGTGCCTCGTTTTCACGGGGTGAGTGCCGGCCGTCAGTGTGA-3'
Protein context (NP_065873.2, residues 263-283): TQSAMFNQVL[Ile273Val]LFCTLLCLVF

ClinVar aggregate classification (germline): Uncertain significance (1 of 4 stars; one submission).

Conditions:
Autosomal dominant nocturnal frontal lobe epilepsy 5. Also called: KCNT1-Related Epilepsy; CILIARY DYSKINESIA, PRIMARY, 28, WITH SITUS INVERSUS; CILIARY DYSKINESIA, PRIMARY, 28, WITHOUT SITUS INVERSUS; Epilepsy, nocturnal frontal lobe, 5. Identifiers: Orphanet 98784, MedGen C3554306, MONDO:0014002, OMIM 615005.
Developmental and epileptic encephalopathy, 14 (DEE14). Also called: Early infantile epileptic encephalopathy 14. Identifiers: Orphanet 293181, MedGen C3554195, MONDO:0013989, OMIM 614959.

Allele frequency attached by ClinVar (database versions not stated): gnomAD exomes below 0.00001.
gnomAD v4.1: 2 of 1,613,716 alleles (0.00012%); highest among the groups gnomAD compares: Non-Finnish European, 0.00017%; no homozygotes.

Submission:

Labcorp Genetics (formerly Invitae), Labcorp
Classification: Uncertain significance for Autosomal dominant nocturnal frontal lobe epilepsy 5; Developmental and epileptic encephalopathy, 14. Last evaluated: 2023-05-08. Review status: criteria provided, single submitter. Criteria: Invitae Variant Classification Sherloc (09022015). Collection method: clinical testing. Allele origin: germline.
Comment: In summary, the available evidence is currently insufficient to determine the role of this variant in disease. Therefore, it has been classified as a Variant of Uncertain Significance. Advanced modeling of protein sequence and biophysical properties (such as structural, functional, and spatial information, amino acid conservation, physicochemical variation, residue mobility, and thermodynamic stability) performed at Invitae indicates that this missense variant is not expected to disrupt KCNT1 protein function. This variant has not been reported in the literature in individuals affected with KCNT1-related conditions. This variant is present in population databases (no rsID available, gnomAD 0.0009%). This sequence change replaces isoleucine, which is neutral and non-polar, with valine, which is neutral and non-polar, at codon 273 of the KCNT1 protein (p.Ile273Val).